The following is an entry in ClinVar:

NM_000138.5(FBN1):c.3320_3321del (p.Met1107fs)

Gene: FBN1 (fibrillin 1; minus strand). Cytogenetic location: 15q21.1.
Variant type: Deletion.
Coding change: c.3320_3321del on transcript NM_000138.5 (MANE Select); coding-DNA positions 3320 to 3321, 2 bases deleted (TG; older notation c.3320_3321delTG).
Protein change: p.Met1107fs; shifts the reading frame from methionine 1107.
Molecular consequence: frameshift variant.
Genome position (GRCh38, 1-based): chr15:48,488,129-48,488,130, CA deleted on the plus strand (TG on the coding strand, the reverse complement: FBN1 is on the minus strand). VCF-style (leftmost placement, unchanged base first): chr15-48488128-TCA-T. GRCh37 (hg19) VCF-style: chr15-48780325-TCA-T.
Other names: short protein forms M1107fs.
Identifiers: ClinVar variation 1386928 (VCV001386928.6), dbSNP rs2141294618, ClinGen allele CA2573150837.

ClinVar aggregate classification (germline): Pathogenic (1 of 4 stars; one submission).

Conditions:
Marfan syndrome (MFS). Also called: Marfan syndrome type 1; Marfan's syndrome; FBN1-Related Marfan Syndrome; MARFAN SYNDROME, TYPE I; Marfan syndrome, classic. Identifiers: Orphanet 284963, Orphanet 558, MedGen C0024796, MONDO:0007947, OMIM 154700.
Familial thoracic aortic aneurysm and aortic dissection (TAAD). Also called: Thoracic aortic aneurysms and dissections. Identifiers: Orphanet 91387, MedGen C4707243, MONDO:0019625.

Submission:

Labcorp Genetics (formerly Invitae), Labcorp
Classification: Pathogenic for Marfan syndrome; Familial thoracic aortic aneurysm and aortic dissection. Last evaluated: 2021-03-23. Review status: criteria provided, single submitter. Criteria: Invitae Variant Classification Sherloc (09022015). Collection method: clinical testing. Allele origin: germline.
Comment: This sequence change creates a premature translational stop signal (p.Met1107Asnfs*8) in the FBN1 gene. It is expected to result in an absent or disrupted protein product. Loss-of-function variants in FBN1 are known to be pathogenic (PMID: 17657824, 19293843). This variant is not present in population databases (ExAC no frequency). This variant has not been reported in the literature in individuals with FBN1-related conditions. For these reasons, this variant has been classified as Pathogenic.

Literature cited by the submitters: PubMed 17657824; PubMed 19293843.